The following is an entry in ClinVar:

NM_001040108.2(MLH3):c.2433T>C (p.His811=)

Gene: MLH3 (mutL homolog 3; minus strand). Cytogenetic location: 14q24.3.
Variant type: single nucleotide variant.
Coding change: c.2433T>C on transcript NM_001040108.2 (MANE Select); coding-DNA position 2433, T replaced by C.
Protein change: p.His811=; no amino-acid change (histidine 811 retained).
Molecular consequence: synonymous variant.
Genome position (GRCh38, 1-based): chr14:75,047,223, A>G on the plus strand (T>C on the coding strand, the complement: MLH3 is on the minus strand). VCF-style: chr14-75047223-A-G. GRCh37 (hg19) VCF-style: chr14-75513926-A-G.
Other names: c.2433T>C, p.His811= (NM_014381.3).
Identifiers: ClinVar variation 1791198 (VCV001791198.6), dbSNP rs769041255, ClinGen allele CA7275707.

ClinVar aggregate classification (germline): Benign/Likely benign. Review status: criteria provided, multiple submitters, no conflicts (2 of 4 stars). 3 submissions from 3 submitters: Benign (1); Likely benign (2). Last evaluated 2026-05-05.

Conditions:
Colorectal cancer, hereditary nonpolyposis, type 7. Identifiers: Orphanet 144, MedGen C1858380, MONDO:0013725, OMIM 614385.

Allele frequency attached by ClinVar (database versions not stated): gnomAD 0.00001; TOPMed 0.00002.
gnomAD v4.1: 7 of 1,614,022 alleles (0.00043%); highest among the groups gnomAD compares: African/African-American, 0.0053%; no homozygotes.

Submissions (3):

Myriad Genetics, Inc.
Classification: Benign for Colorectal cancer, hereditary nonpolyposis, type 7. Last evaluated: 2026-05-05. Review status: criteria provided, single submitter. Criteria: Myriad Autosomal Dominant, Autosomal Recessive and X-Linked Classification Criteria (2023). Collection method: clinical testing. Allele origin: unknown.
Comment: This variant is considered benign. This variant is a silent/synonymous amino acid change and it is not expected to impact splicing.

Labcorp Genetics (formerly Invitae), Labcorp
Classification: Likely benign for Colorectal cancer, hereditary nonpolyposis, type 7. Last evaluated: 2025-10-22. Review status: criteria provided, single submitter. Criteria: Invitae Variant Classification Sherloc (09022015). Collection method: clinical testing. Allele origin: germline.

Ambry Genetics
Classification: Likely benign. Last evaluated: 2021-10-17. Review status: criteria provided, single submitter. Criteria: Ambry Variant Classification Scheme 2023. Collection method: clinical testing. Allele origin: germline.